The following is an entry in ClinVar:

NM_001122955.4(BSCL2):c.895G>A (p.Ala299Thr)

Genes: BSCL2 (BSCL2 lipid droplet biogenesis associated, seipin; minus strand), HNRNPUL2-BSCL2 (HNRNPUL2-BSCL2 readthrough (NMD candidate); minus strand). Cytogenetic location: 11q12.3.
Variant type: single nucleotide variant.
Coding change: c.895G>A on transcript NM_001122955.4 (MANE Select); coding-DNA position 895, G replaced by A.
Protein change: p.Ala299Thr; replaces alanine 299 with threonine.
Molecular consequence: missense variant. On other transcripts: non-coding transcript variant (1), intron variant (1).
Genome position (GRCh38, 1-based): chr11:62,691,390, C>T on the plus strand (G>A on the coding strand, the complement: BSCL2 is on the minus strand). VCF-style: chr11-62691390-C-T. GRCh37 (hg19) VCF-style: chr11-62458862-C-T.
Other names: c.895G>A, p.Ala299Thr (NM_001386027.1, NM_001386028.1); c.703G>A, p.Ala235Thr (NM_032667.6); c.672-249G>A (NM_001130702.2); short protein forms A235T, A299T.
Identifiers: ClinVar variation 424673 (VCV000424673.12), dbSNP rs141377075, ClinGen allele CA6053413.

ClinVar aggregate classification (germline): Uncertain significance. Review status: criteria provided, multiple submitters, no conflicts (2 of 4 stars). 5 submissions from 5 submitters: Uncertain significance (5). Last evaluated 2026-09-01.

Conditions:
BSCL2-related disorder. Also called: BSCL2-Related Disorders; BSCL2-related condition.
Charcot-Marie-Tooth disease type 2. Also called: Charcot-Marie-Tooth type 2. Identifiers: Orphanet 64746, MedGen C0270914, MONDO:0018993.
Hereditary spastic paraplegia. Also called: Familial spastic paraparesis. Identifiers: Orphanet 685, MedGen C0037773, MONDO:0019064. Disease mechanism: loss of function.

Allele frequency attached by ClinVar (database versions not stated): gnomAD 0.00007; ESP Exome Variant Server 0.00008; TOPMed 0.00002; ExAC 0.00003; gnomAD exomes 0.00003 and 0.00005.
gnomAD v4.1: 57 of 1,613,988 alleles (0.0035%); highest among the groups gnomAD compares: African/African-American, 0.0093%; no homozygotes.

Submissions (5):

PreventionGenetics, part of Exact Sciences
Classification: Uncertain significance for BSCL2-related condition. Last evaluated: 2026-09-01. Review status: criteria provided, single submitter. Criteria: ACMG Guidelines, 2015. Collection method: clinical testing. Allele origin: germline.
Comment: The BSCL2 c.895G>A variant is predicted to result in the amino acid substitution p.Ala299Thr. This variant was found in an individual with hereditary spastic paraplegia. However, it was uncertain as to whether it was the primary cause of disease in the patient (Morais et al. 2017. PubMed ID: 28832565). This variant is reported in 0.0093% of alleles in individuals of European (Non-Finnish) descent in gnomAD. At this time, the clinical significance of this variant is uncertain due to the absence of conclusive functional and genetic evidence.

GeneDx
Classification: Uncertain significance. Last evaluated: 2025-07-24. Review status: criteria provided, single submitter. Criteria: GeneDx Variant Classification Process June 2021. Collection method: clinical testing. Allele origin: germline. Affected: yes.
Comment: Reported in a cohort of patients with lipid or metabolic disorders; however, additional clinical information was not included (PMID: 32041611); In silico analysis supports that this missense variant has a deleterious effect on protein structure/function; This variant is associated with the following publications: (PMID: 28832565, 32041611)

Labcorp Genetics (formerly Invitae), Labcorp
Classification: Uncertain significance for Charcot-Marie-Tooth disease type 2. Last evaluated: 2025-05-22. Review status: criteria provided, single submitter. Criteria: Invitae Variant Classification Sherloc (09022015). Collection method: clinical testing. Allele origin: germline.
Comment: This sequence change replaces alanine, which is neutral and non-polar, with threonine, which is neutral and polar, at codon 235 of the BSCL2 protein (p.Ala235Thr). This variant is present in population databases (rs141377075, gnomAD 0.009%). This variant has not been reported in the literature in individuals affected with BSCL2-related conditions. ClinVar contains an entry for this variant (Variation ID: 424673). Invitae Evidence Modeling of protein sequence and biophysical properties (such as structural, functional, and spatial information, amino acid conservation, physicochemical variation, residue mobility, and thermodynamic stability) has been performed for this missense variant. However, the output from this modeling did not meet the statistical confidence thresholds required to predict the impact of this variant on BSCL2 protein function. In summary, the available evidence is currently insufficient to determine the role of this variant in disease. Therefore, it has been classified as a Variant of Uncertain Significance.

Blueprint Genetics
Classification: Uncertain significance. Last evaluated: 2022-10-05. Review status: criteria provided, single submitter. Criteria: ACMG Guidelines, 2015. Collection method: clinical testing. Allele origin: germline.

Unit for Genetic & Epidemiological Research on Neurological Disorders, Instituto de Investigação e Inovação em Saúde
Classification: Uncertain significance for Hereditary spastic paraplegia. Last evaluated: 2017-03-07. Review status: criteria provided, single submitter. Criteria: Morais et al. (Eur J Hum Genet. 2017). Collection method: research. Allele origin: unknown. Affected: yes. Observed: 2 variant alleles.